The following is an entry in ClinVar:

NM_000095.3(COMP):c.1634C>T (p.Ala545Val)

Gene: COMP (cartilage oligomeric matrix protein; minus strand). Cytogenetic location: 19p13.11.
Variant type: single nucleotide variant.
Coding change: c.1634C>T on transcript NM_000095.3 (MANE Select); coding-DNA position 1634, C replaced by T.
Protein change: p.Ala545Val; replaces alanine 545 with valine.
Molecular consequence: missense variant.
Genome position (GRCh38, 1-based): chr19:18,785,707, G>A on the plus strand (C>T on the coding strand, the complement: COMP is on the minus strand). VCF-style: chr19-18785707-G-A. GRCh37 (hg19) VCF-style: chr19-18896517-G-A.
Other names: short protein forms A545V.
Identifiers: ClinVar variation 1497103 (VCV001497103.6), dbSNP rs200870935, ClinGen allele CA9316340.

ClinVar aggregate classification (germline): Uncertain significance (1 of 4 stars; one submission).

Allele frequency attached by ClinVar (database versions not stated): gnomAD exomes below 0.00001 and 0.00002; gnomAD 0.00001; ExAC 0.00002; 1000 Genomes Project 0.00020; 1000 Genomes Project 30x 0.00031.
gnomAD v4.1: 6 of 1,613,372 alleles (0.00037%); highest among the groups gnomAD compares: Admixed American, 0.0083%; no homozygotes.

Submission:

Labcorp Genetics (formerly Invitae), Labcorp
Classification: Uncertain significance. Last evaluated: 2022-07-25. Review status: criteria provided, single submitter. Criteria: Invitae Variant Classification Sherloc (09022015). Collection method: clinical testing. Allele origin: germline.
Comment: In summary, the available evidence is currently insufficient to determine the role of this variant in disease. Therefore, it has been classified as a Variant of Uncertain Significance. Advanced modeling of protein sequence and biophysical properties (such as structural, functional, and spatial information, amino acid conservation, physicochemical variation, residue mobility, and thermodynamic stability) performed at Invitae indicates that this missense variant is not expected to disrupt COMP protein function. ClinVar contains an entry for this variant (Variation ID: 1497103). This variant has not been reported in the literature in individuals affected with COMP-related conditions. This variant is present in population databases (rs200870935, gnomAD 0.01%). This sequence change replaces alanine, which is neutral and non-polar, with valine, which is neutral and non-polar, at codon 545 of the COMP protein (p.Ala545Val).